The following is an entry in ClinVar:

ClinVar aggregate classification (germline): Uncertain significance (1 of 4 stars; one submission).

gnomAD v4.1: 4 of 1,614,106 alleles (0.00025%); highest among the groups gnomAD compares: Non-Finnish European, 0.00034%; no homozygotes.

Submission:

Labcorp Genetics (formerly Invitae), Labcorp
Classification: Uncertain significance. Last evaluated: 2023-05-13. Review status: criteria provided, single submitter. Criteria: Invitae Variant Classification Sherloc (09022015). Collection method: clinical testing. Allele origin: germline.
Comment: In summary, the available evidence is currently insufficient to determine the role of this variant in disease. Therefore, it has been classified as a Variant of Uncertain Significance. Algorithms developed to predict the effect of sequence changes on RNA splicing suggest that this variant may disrupt the consensus splice site. Advanced modeling of protein sequence and biophysical properties (such as structural, functional, and spatial information, amino acid conservation, physicochemical variation, residue mobility, and thermodynamic stability) performed at Invitae indicates that this missense variant is expected to disrupt POLR1A protein function. ClinVar contains an entry for this variant (Variation ID: 1974094). This variant has not been reported in the literature in individuals affected with POLR1A-related conditions. This variant is not present in population databases (gnomAD no frequency). This sequence change replaces valine, which is neutral and non-polar, with leucine, which is neutral and non-polar, at codon 1288 of the POLR1A protein (p.Val1288Leu).

NM_015425.6(POLR1A):c.3862G>T (p.Val1288Leu)

Genes: POLR1A (RNA polymerase I subunit A; minus strand), LOC106783498 (conserved acetylation island sequence 34 enhancer; plus strand). Cytogenetic location: 2p11.2.
Variant type: single nucleotide variant.
Coding change: c.3862G>T on transcript NM_015425.6 (MANE Select); coding-DNA position 3862, G replaced by T.
Protein change: p.Val1288Leu; replaces valine 1288 with leucine.
Molecular consequence: missense variant.
Genome position (GRCh38, 1-based): chr2:86,039,341, C>A on the plus strand (G>T on the coding strand, the complement: POLR1A is on the minus strand). VCF-style: chr2-86039341-C-A. GRCh37 (hg19) VCF-style: chr2-86266464-C-A.
Other names: short protein forms V1288L.
Identifiers: ClinVar variation 1974094 (VCV001974094.5), dbSNP rs758656592, ClinGen allele CA347550532.